The following is an entry in ClinVar:

NM_004035.7(ACOX1):c.859G>C (p.Gly287Arg)

Gene: ACOX1 (acyl-CoA oxidase 1; minus strand). Cytogenetic location: 17q25.1.
Variant type: single nucleotide variant.
Coding change: c.859G>C on transcript NM_004035.7 (MANE Select); coding-DNA position 859, G replaced by C.
Protein change: p.Gly287Arg; replaces glycine 287 with arginine.
Molecular consequence: missense variant.
Genome position (GRCh38, 1-based): chr17:75,953,536, C>G on the plus strand (G>C on the coding strand, the complement: ACOX1 is on the minus strand). VCF-style: chr17-75953536-C-G. GRCh37 (hg19) VCF-style: chr17-73949617-C-G.
Other names: c.859G>C (NM_004035.6); c.745G>C, p.Gly249Arg (NM_001185039.2); c.859G>C, p.Gly287Arg (NM_007292.6); short protein forms G249R, G287R.
Identifiers: ClinVar variation 2015150 (VCV002015150.5), dbSNP rs1476487288, ClinGen allele CA401065581.

ClinVar aggregate classification (germline): Uncertain significance. Review status: criteria provided, multiple submitters, no conflicts (2 of 4 stars). 2 submissions from 2 submitters: Uncertain significance (2). Last evaluated 2025-05-14.

Conditions:
Inborn genetic diseases. Identifiers: MedGen C0950123, MeSH D030342.
Acyl-CoA oxidase deficiency. Also called: Pseudoneonatal adrenoleukodystrophy; STRAIGHT-CHAIN ACYL-CoA OXIDASE DEFICIENCY; Peroxisomal acyl-CoA oxidase deficiency. Identifiers: Orphanet 2971, MedGen C1849678, MONDO:0009919, OMIM 264470. Disease mechanism: loss of function.

Submissions (2):

Ambry Genetics
Classification: Uncertain significance for Inborn genetic diseases. Last evaluated: 2025-05-14. Review status: criteria provided, single submitter. Criteria: Ambry Variant Classification Scheme 2023. Collection method: clinical testing. Allele origin: germline.

Labcorp Genetics (formerly Invitae), Labcorp
Classification: Uncertain significance for Acyl-CoA oxidase deficiency. Last evaluated: 2024-10-15. Review status: criteria provided, single submitter. Criteria: Invitae Variant Classification Sherloc (09022015). Collection method: clinical testing. Allele origin: germline.
Comment: This sequence change replaces glycine, which is neutral and non-polar, with arginine, which is basic and polar, at codon 287 of the ACOX1 protein (p.Gly287Arg). This variant is not present in population databases (gnomAD no frequency). This variant has not been reported in the literature in individuals affected with ACOX1-related conditions. ClinVar contains an entry for this variant (Variation ID: 2015150). Invitae Evidence Modeling of protein sequence and biophysical properties (such as structural, functional, and spatial information, amino acid conservation, physicochemical variation, residue mobility, and thermodynamic stability) indicates that this missense variant is not expected to disrupt ACOX1 protein function with a negative predictive value of 80%. In summary, the available evidence is currently insufficient to determine the role of this variant in disease. Therefore, it has been classified as a Variant of Uncertain Significance.